The following is an entry in ClinVar:

ClinVar aggregate classification (germline): Uncertain significance. Review status: criteria provided, multiple submitters, no conflicts (2 of 4 stars). 2 submissions from 2 submitters: Uncertain significance (2). Last evaluated 2025-05-21.

Conditions:
COL2A1-related disorder. Also called: COL2A1-related condition; COL2A1-related disorders.

gnomAD v4.1: 4 of 1,613,458 alleles (0.00025%); highest among the groups gnomAD compares: South Asian, 0.0011%; no homozygotes.

Submissions (2):

PreventionGenetics, part of Exact Sciences
Classification: Uncertain significance for COL2A1-related condition. Last evaluated: 2025-05-21. Review status: criteria provided, single submitter. Criteria: ACMG Guidelines, 2015. Collection method: clinical testing. Allele origin: germline.
Comment: The COL2A1 c.1039G>A variant is predicted to result in the amino acid substitution p.Asp347Asn. To our knowledge, this variant has not been reported in the literature. This variant is reported in 0.0033% of alleles in individuals of South Asian descent in gnomAD. At this time, the clinical significance of this variant is uncertain due to the absence of conclusive functional and genetic evidence.

Blueprint Genetics
Classification: Uncertain significance. Last evaluated: 2019-03-07. Review status: criteria provided, single submitter. Criteria: ACMG Guidelines, 2015. Collection method: clinical testing. Allele origin: germline.

NM_001844.5(COL2A1):c.1039G>A (p.Asp347Asn)

Gene: COL2A1 (collagen type II alpha 1 chain; minus strand). Cytogenetic location: 12q13.11.
Variant type: single nucleotide variant.
Coding change: c.1039G>A on transcript NM_001844.5 (MANE Select); coding-DNA position 1039, G replaced by A.
Protein change: p.Asp347Asn; replaces aspartic acid 347 with asparagine.
Molecular consequence: missense variant.
Genome position (GRCh38, 1-based): chr12:47,989,790, C>T on the plus strand (G>A on the coding strand, the complement: COL2A1 is on the minus strand). VCF-style: chr12-47989790-C-T. GRCh37 (hg19) VCF-style: chr12-48383573-C-T.
Other names: c.832G>A, p.Asp278Asn (NM_033150.3); c.1039G>A (NM_001844.4); short protein forms D278N, D347N.
Identifiers: ClinVar variation 4916446 (VCV004916446.2).
Genomic context (GRCh38, chr12:47,989,790, plus strand): 5'-CAATGACCTGCTGAGGATGAAATGAACTTACCGGAGGCCCTGCGGGGCCTGGCTGACCAT[C>T]GTTGCCTCGGGCACCCTGTGAGCAAGAAGGAAGTGACCATGAGAGGTGCCCACAGGCCCT-3'
Protein context (NP_001835.3, residues 337-357): PAGAAGARGN[Asp347Asn]GQPGPAGPPG